The following is an entry in ClinVar:

NM_003737.4(DCHS1):c.4828G>C (p.Glu1610Gln)

Gene: DCHS1 (dachsous cadherin-related 1; minus strand). Cytogenetic location: 11p15.4.
Variant type: single nucleotide variant.
Coding change: c.4828G>C on transcript NM_003737.4 (MANE Select); coding-DNA position 4828, G replaced by C.
Protein change: p.Glu1610Gln; replaces glutamic acid 1610 with glutamine.
Molecular consequence: missense variant.
Genome position (GRCh38, 1-based): chr11:6,629,879, C>G on the plus strand (G>C on the coding strand, the complement: DCHS1 is on the minus strand). VCF-style: chr11-6629879-C-G. GRCh37 (hg19) VCF-style: chr11-6651110-C-G.
Other names: short protein forms E1610Q.
Identifiers: ClinVar variation 3004625 (VCV003004625.3), dbSNP rs1486705624, ClinGen allele CA379399079.

ClinVar aggregate classification (germline): Uncertain significance (1 of 4 stars; one submission).

Submission:

Labcorp Genetics (formerly Invitae), Labcorp
Classification: Uncertain significance. Last evaluated: 2023-08-03. Review status: criteria provided, single submitter. Criteria: Invitae Variant Classification Sherloc (09022015). Collection method: clinical testing. Allele origin: germline.
Comment: This sequence change replaces glutamic acid, which is acidic and polar, with glutamine, which is neutral and polar, at codon 1610 of the DCHS1 protein (p.Glu1610Gln). This variant is not present in population databases (gnomAD no frequency). This variant has not been reported in the literature in individuals affected with DCHS1-related conditions. Advanced modeling of protein sequence and biophysical properties (such as structural, functional, and spatial information, amino acid conservation, physicochemical variation, residue mobility, and thermodynamic stability) has been performed at Invitae for this missense variant, however the output from this modeling did not meet the statistical confidence thresholds required to predict the impact of this variant on DCHS1 protein function. In summary, the available evidence is currently insufficient to determine the role of this variant in disease. Therefore, it has been classified as a Variant of Uncertain Significance.